The following is an entry in ClinVar:

NM_000292.3(PHKA2):c.401A>G (p.Gln134Arg)

Gene: PHKA2 (phosphorylase kinase regulatory subunit alpha 2; minus strand). Cytogenetic location: Xp22.13.
Variant type: single nucleotide variant.
Coding change: c.401A>G on transcript NM_000292.3 (MANE Select); coding-DNA position 401, A replaced by G.
Protein change: p.Gln134Arg; replaces glutamine 134 with arginine.
Molecular consequence: missense variant.
Genome position (GRCh38, 1-based): chrX:18,951,157, T>C on the plus strand (A>G on the coding strand, the complement: PHKA2 is on the minus strand). VCF-style: chrX-18951157-T-C. GRCh37 (hg19) VCF-style: chrX-18969275-T-C.
Other names: c.401A>G, p.Gln134Arg (NM_001440800.1, NM_001440801.1, NM_001440802.1 and 3 more transcripts); short protein forms Q134R.
Identifiers: ClinVar variation 4884732 (VCV004884732.1).

ClinVar aggregate classification (germline): Uncertain significance (1 of 4 stars; one submission).

Conditions:
Glycogen storage disease. Also called: Disorder of glycogen metabolism; glycogen storage disorder. Identifiers: Orphanet 79201, MedGen C0017919, MONDO:0002412.

Submission:

Genetics Laboratory, Great Ormond Street Hospital NHS Foundation Trust, North Thames Genomic Laboratory Hub
Classification: Uncertain significance for Glycogen storage disease. Last evaluated: 2026-06-18. Review status: criteria provided, single submitter. Criteria: ACGS Best Practice Guidelines for Variant Classification in Rare Disease 2024 v1.2. Collection method: clinical testing. Allele origin: germline. Affected: yes.
Comment: PS4_supporting, PM2_moderate, PP3_supporting, PP4_supporting